The following is an entry in ClinVar:

NM_006662.3(SRCAP):c.4293C>G (p.Val1431=)

Gene: SRCAP (Snf2 related CREBBP activator protein; plus strand). Cytogenetic location: 16p11.2.
Variant type: single nucleotide variant.
Coding change: c.4293C>G on transcript NM_006662.3 (MANE Select); coding-DNA position 4293, C replaced by G.
Protein change: p.Val1431=; no amino-acid change (valine 1431 retained).
Molecular consequence: synonymous variant.
Genome position (GRCh38, 1-based): chr16:30,723,717, C>G. VCF-style: chr16-30723717-C-G. GRCh37 (hg19) VCF-style: chr16-30735038-C-G.
Identifiers: ClinVar variation 160034 (VCV000160034.19), dbSNP rs79597785, ClinGen allele CA173603.

ClinVar aggregate classification (germline): Benign/Likely benign. Review status: criteria provided, multiple submitters, no conflicts (2 of 4 stars). 7 submissions from 7 submitters: Benign (4); Likely benign (3). Last evaluated 2026-05-09.

Conditions:
Floating-Harbor syndrome (FLHS). Also called: Short stature with delayed bone age, expressive language delay, a triangular face with a prominent nose and deep-set eyes; Pelletier-Leisti syndrome; SRCAP-Related Floating-Harbor Syndrome. Identifiers: Orphanet 2044, MedGen C0729582, MONDO:0007621, OMIM 136140.
Developmental delay, hypotonia, musculoskeletal defects, and behavioral abnormalities. Identifiers: MedGen C5562012, MONDO:0859202, OMIM 619595.

Allele frequency attached by ClinVar (database versions not stated): gnomAD exomes 0.02327 and 0.01304; 1000 Genomes Project 0.00659; 1000 Genomes Project 30x 0.00718; ExAC 0.01346; gnomAD 0.01462 and 0.01517; TOPMed 0.01492; ESP Exome Variant Server 0.01616.
gnomAD v4.1: 35,934 of 1,614,130 alleles (2.2%); highest among the groups gnomAD compares: Non-Finnish European, 2.8%; 532 homozygotes.

Submissions (7):

Women's Health and Genetics/Laboratory Corporation of America, LabCorp
Classification: Benign. Last evaluated: 2026-05-09. Review status: criteria provided, single submitter. Criteria: LabCorp Variant Classification Summary - May 2015. Collection method: clinical testing. Allele origin: germline.

Labcorp Genetics (formerly Invitae), Labcorp
Classification: Benign. Last evaluated: 2026-02-01. Review status: criteria provided, single submitter. Criteria: Invitae Variant Classification Sherloc (09022015). Collection method: clinical testing. Allele origin: germline.

Fulgent Genetics
Classification: Benign for Floating-Harbor syndrome; Developmental delay, hypotonia, musculoskeletal defects, and behavioral abnormalities. Last evaluated: 2021-10-06. Review status: criteria provided, single submitter. Criteria: ACMG Guidelines, 2015. Collection method: clinical testing. Allele origin: unknown.

GeneDx
Classification: Likely benign. Last evaluated: 2021-05-05. Review status: criteria provided, single submitter. Criteria: GeneDx Variant Classification Process June 2021. Collection method: clinical testing. Allele origin: germline. Affected: yes.
Comment: See Variant Classification Assertion Criteria.

Genetic Services Laboratory, University of Chicago
Classification: Benign. Last evaluated: 2013-03-04. Review status: criteria provided, single submitter. Criteria: ACMG Guidelines, 2007. Collection method: clinical testing. Allele origin: germline. Inheritance: Autosomal dominant inheritance.

Breakthrough Genomics
Classification: Likely benign. Review status: criteria provided, single submitter. Criteria: ACMG Guidelines, 2015. Collection method: not provided. Allele origin: germline. Inheritance: Autosomal dominant inheritance. Affected: yes.

PreventionGenetics, part of Exact Sciences
Classification: Likely benign. Review status: criteria provided, single submitter. Criteria: ACMG Guidelines, 2015. Collection method: clinical testing. Allele origin: germline.